The following is an entry in ClinVar:

ClinVar aggregate classification (germline): Uncertain significance (1 of 4 stars; one submission).

Submission:

GeneDx
Classification: Uncertain significance. Last evaluated: 2024-07-13. Review status: criteria provided, single submitter. Criteria: GeneDx Variant Classification Process June 2021. Collection method: clinical testing. Allele origin: germline. Affected: yes.
Comment: Not observed at significant frequency in large population cohorts (gnomAD); In silico analysis supports that this missense variant has a deleterious effect on protein structure/function; Has not been previously published as pathogenic or benign to our knowledge

NM_020134.4(DPYSL5):c.288G>A (p.Met96Ile)

Gene: DPYSL5 (dihydropyrimidinase like 5; plus strand). Cytogenetic location: 2p23.3.
Variant type: single nucleotide variant.
Coding change: c.288G>A on transcript NM_020134.4 (MANE Select); coding-DNA position 288, G replaced by A.
Protein change: p.Met96Ile; replaces methionine 96 with isoleucine.
Molecular consequence: missense variant.
Genome position (GRCh38, 1-based): chr2:26,924,913, G>A. VCF-style: chr2-26924913-G-A. GRCh37 (hg19) VCF-style: chr2-27147781-G-A.
Other names: c.288G>A, p.Met96Ile (NM_001253723.2, NM_001253724.2); short protein forms M96I.
Identifiers: ClinVar variation 3572820 (VCV003572820.1).
Genomic context (GRCh38, chr2:26,924,913, plus strand): 5'-GCTGTGACGAGACTGCCTTTTCCCGTCTTCCCAGGCAGCACTCGTCGGAGGCACCACCAT[G>A]ATCATCGGCCACGTCCTGCCCGACAAGGAGACCTCCCTTGTGGACGCTTATGAGAAGTGC-3'
Protein context (NP_064519.2, residues 86-106): TKAALVGGTT[Met96Ile]IIGHVLPDKE